The following is an entry in ClinVar:

ClinVar aggregate classification (germline): Pathogenic (1 of 4 stars; one submission).

Conditions:
Cohen syndrome (COH1). Also called: PEPPER SYNDROME; Cutis verticis gyrata, retinitis pigmentosa, and sensorineural deafness. Identifiers: Orphanet 193, MedGen C0265223, MONDO:0008999, OMIM 216550.

Submission:

Myriad Genetics, Inc.
Classification: Pathogenic for Cohen syndrome. Last evaluated: 2026-08-06. Review status: criteria provided, single submitter. Criteria: Myriad Autosomal Dominant, Autosomal Recessive and X-Linked Classification Criteria (2023). Collection method: clinical testing. Allele origin: unknown.
Comment: NM_017890.4(VPS13B):c.4073_4082dup10(I1362Qfs*16) is a frameshift variant classified as pathogenic in the context of Cohen syndrome. I1362Qfs*16 has not been observed in cases with relevant disease. Relevant functional assessments of this variant are not available in the literature. I1362Qfs*16 has not been observed in referenced population frequency databases. In summary, NM_017890.4(VPS13B):c.4073_4082dup10(I1362Qfs*16) is a frameshift variant in a gene where loss of function is a known mechanism of disease and is predicted to disrupt protein function. Please note: this variant was assessed in the context of healthy population screening.

NM_152564.5(VPS13B):c.4073_4082dup (p.Ile1362fs)

Gene: VPS13B (vacuolar protein sorting 13 homolog B; plus strand). Cytogenetic location: 8q22.2.
Variant type: Duplication.
Coding change: c.4073_4082dup on transcript NM_152564.5 (MANE Select); coding-DNA positions 4073 to 4082, 10 bases duplicated (TCAGTGCTTC; older notation c.4073_4082dupTCAGTGCTTC).
Protein change: p.Ile1362fs; shifts the reading frame from isoleucine 1362.
Molecular consequence: frameshift variant.
Genome position (GRCh38, 1-based): chr8:99,502,866-99,502,875, TCAGTGCTTC duplicated; duplicating any 10 consecutive bases within chr8:99,502,864-99,502,875 gives the same sequence; the c. name uses the placement nearest the transcript's 3' end. VCF-style (leftmost placement, unchanged base first): chr8-99502863-A-ATCTCAGTGCT. GRCh37 (hg19) VCF-style: chr8-100515091-A-ATCTCAGTGCT.
Other names: c.4073_4082dup, p.Ile1362fs (NM_017890.5); short protein forms I1362fs.
Identifiers: ClinVar variation 5004833 (VCV005004833.1).
Genomic context (GRCh38, chr8:99,502,863, plus strand): 5'-TGTGTTGATATTACTGCTTGTTTCTTATTGCAGAGGTTTGTATGGTCAGTGAACTAGAAG[A>ATCTCAGTGCT]TCTCAGTGCTTCCATAGATGTCCAGGATGTATATACCAAAGTGAAATGTAAAATAGAGAG-3'